The following is an entry in ClinVar:

NM_032608.7(MYO18B):c.6237C>A (p.Asp2079Glu)

Gene: MYO18B (myosin XVIIIB; plus strand). Cytogenetic location: 22q12.1.
Variant type: single nucleotide variant.
Coding change: c.6237C>A on transcript NM_032608.7 (MANE Select); coding-DNA position 6237, C replaced by A.
Protein change: p.Asp2079Glu; replaces aspartic acid 2079 with glutamic acid.
Molecular consequence: missense variant.
Genome position (GRCh38, 1-based): chr22:25,992,443, C>A. VCF-style: chr22-25992443-C-A. GRCh37 (hg19) VCF-style: chr22-26388409-C-A.
Other names: c.6240C>A, p.Asp2080Glu (NM_001318245.2); short protein forms D2079E, D2080E.
Identifiers: ClinVar variation 1374923 (VCV001374923.6), dbSNP rs2146851317, ClinGen allele CA411006327.
Genomic context (GRCh38, chr22:25,992,443, plus strand): 5'-TGCAGCAGTGAGGCAAACCCTCCAGACAGACCTGGAGACATCCATTCGGCGGATTGCCGA[C>A]CTGCAGGCTGCCTTGGAAGAAGTGGCATCCAGTGACAGTGATACTGAGAGGTAACTTGCT-3'
Protein context (NP_115997.5, residues 2069-2089): DLETSIRRIA[Asp2079Glu]LQAALEEVAS

ClinVar aggregate classification (germline): Uncertain significance (1 of 4 stars; one submission).

Submission:

Labcorp Genetics (formerly Invitae), Labcorp
Classification: Uncertain significance. Last evaluated: 2022-07-12. Review status: criteria provided, single submitter. Criteria: Invitae Variant Classification Sherloc (09022015). Collection method: clinical testing. Allele origin: germline.
Comment: This sequence change replaces aspartic acid with glutamic acid at codon 2079 of the MYO18B protein (p.Asp2079Glu). The aspartic acid residue is highly conserved and there is a small physicochemical difference between aspartic acid and glutamic acid. This variant is not present in population databases (gnomAD no frequency). In summary, the available evidence is currently insufficient to determine the role of this variant in disease. Therefore, it has been classified as a Variant of Uncertain Significance. Algorithms developed to predict the effect of missense changes on protein structure and function are either unavailable or do not agree on the potential impact of this missense change (SIFT: "Not Available"; PolyPhen-2: "Possibly Damaging"; Align-GVGD: "Not Available"). ClinVar contains an entry for this variant (Variation ID: 1374923). This variant has not been reported in the literature in individuals affected with MYO18B-related conditions.